The following is an entry in ClinVar:

ClinVar aggregate classification (germline): Conflicting classifications of pathogenicity. Review status: criteria provided, conflicting classifications (1 of 4 stars). 2 submissions from 2 submitters: Likely pathogenic (1); Uncertain significance (1). Last evaluated 2024-07-10.

Submissions (2):

GeneDx
Classification: Likely pathogenic. Last evaluated: 2024-07-10. Review status: criteria provided, single submitter. Criteria: GeneDx Variant Classification Process June 2021. Collection method: clinical testing. Allele origin: germline. Affected: yes.
Comment: Not observed at significant frequency in large population cohorts (gnomAD); In silico analysis supports that this missense variant has a deleterious effect on protein structure/function; Has not been previously published as pathogenic or benign to our knowledge

Women's Health and Genetics/Laboratory Corporation of America, LabCorp
Classification: Uncertain significance. Last evaluated: 2022-06-26. Review status: criteria provided, single submitter. Criteria: LabCorp Variant Classification Summary - May 2015. Collection method: clinical testing. Allele origin: germline.

NM_006767.4(LZTR1):c.686G>C (p.Cys229Ser)

Gene: LZTR1 (leucine zipper like post translational regulator 1; plus strand). Cytogenetic location: 22q11.21.
Variant type: single nucleotide variant.
Coding change: c.686G>C on transcript NM_006767.4 (MANE Select); coding-DNA position 686, G replaced by C.
Protein change: p.Cys229Ser; replaces cysteine 229 with serine.
Molecular consequence: missense variant.
Genome position (GRCh38, 1-based): chr22:20,990,420, G>C. VCF-style: chr22-20990420-G-C. GRCh37 (hg19) VCF-style: chr22-21344709-G-C.
Other names: short protein forms C229S.
Identifiers: ClinVar variation 1698641 (VCV001698641.2), dbSNP rs2147964025, ClinGen allele CA410780481.
Genomic context (GRCh38, chr22:20,990,420, plus strand): 5'-GGCTGAGCTGTCCTCTCCCCCTGCAGGTGGCCCAGAGTGGCGAGATCCCCCCATCTTGCT[G>C]CAACTTCCCCGTGGCTGTGTGCCGGGACAAGATGTTTGTATTCTCTGGGCAAAGCGGAGC-3'
Protein context (NP_006758.2, residues 219-239): AQSGEIPPSC[Cys229Ser]NFPVAVCRDK